The following is an entry in ClinVar:

NM_001374736.1(DST):c.22314T>C (p.Leu7438=)

Gene: DST (dystonin; minus strand). Cytogenetic location: 6p12.1.
Variant type: single nucleotide variant.
Coding change: c.22314T>C on transcript NM_001374736.1 (MANE Select); coding-DNA position 22314, T replaced by C.
Protein change: p.Leu7438=; no amino-acid change (leucine 7438 retained).
Molecular consequence: synonymous variant.
Genome position (GRCh38, 1-based): chr6:56,471,113, A>G on the plus strand (T>C on the coding strand, the complement: DST is on the minus strand). VCF-style: chr6-56471113-A-G. GRCh37 (hg19) VCF-style: chr6-56335911-A-G.
Other names: c.22314T>C, p.Leu7438= (NM_001374722.1); c.21354T>C, p.Leu7118= (NM_001374729.1); c.15096T>C, p.Leu5032= (NM_001374730.1); c.22341T>C, p.Leu7447= (NM_001374734.1); c.15423T>C, p.Leu5141= (NM_001386100.1, NM_183380.4); c.14445T>C, p.Leu4815= (NM_015548.5); c.15957T>C, p.Leu5319= (NM_001144769.5); c.15543T>C, p.Leu5181= (NM_001144770.2).
Identifiers: ClinVar variation 2656651 (VCV002656651.24), dbSNP rs2533454739, ClinGen allele CA450486524.

ClinVar aggregate classification (germline): Likely benign (1 of 4 stars; one submission).

Submission:

CeGaT Center for Human Genetics Tuebingen
Classification: Likely benign. Last evaluated: 2022-10-01. Review status: criteria provided, single submitter. Criteria: CeGaT Center For Human Genetics Tuebingen Variant Classification Criteria Version 2. Collection method: clinical testing. Allele origin: germline. Affected: yes. Observed: 1 variant allele.
Comment: DST: PM2:Supporting, BP4, BP7